The following is an entry in ClinVar:

NM_002474.3(MYH11):c.5722G>A (p.Asp1908Asn)

Genes: MYH11 (myosin heavy chain 11; minus strand), NDE1 (nudE neurodevelopment protein 1; plus strand). Cytogenetic location: 16p13.11.
Variant type: single nucleotide variant.
Coding change: c.5722G>A on transcript NM_002474.3 (MANE Select); coding-DNA position 5722, G replaced by A.
Protein change: p.Asp1908Asn; replaces aspartic acid 1908 with asparagine.
Molecular consequence: missense variant. On other transcripts: intron variant (2).
Genome position (GRCh38, 1-based): chr16:15,714,973, C>T on the plus strand (G>A on the coding strand, the complement: MYH11 is on the minus strand). VCF-style: chr16-15714973-C-T. GRCh37 (hg19) VCF-style: chr16-15808830-C-T.
Other names: c.5743G>A, p.Asp1915Asn (NM_001040113.2, NM_001040114.2); c.5722G>A, p.Asp1908Asn (NM_022844.3); c.948-9218C>T (NM_001143979.2, NM_017668.3); short protein forms D1908N, D1915N.
Identifiers: ClinVar variation 547549 (VCV000547549.2), dbSNP rs1176411300, ClinGen allele CA394846615.
Genomic context (GRCh38, chr16:15,714,973, plus strand): 5'-GCTTGCTCTTGAGTGCGTTCACCTCGCGGCCCATGGCCTCGTTGCTCTCCGTGGCCTCAT[C>T]CAGCTCCCGCTGCAGCTTCCTGCGGTTGGCGTTGATGCGCTGGGACTCCTCCTCTGCCTC-3'
Protein context (NP_002465.1, residues 1898-1918): ANRRKLQREL[Asp1908Asn]EATESNEAMG

ClinVar aggregate classification (germline): Uncertain significance. Review status: criteria provided, multiple submitters, no conflicts (2 of 4 stars). 2 submissions from 2 submitters: Uncertain significance (2). Last evaluated 2026-07-02.

Conditions:
Familial thoracic aortic aneurysm and aortic dissection (TAAD). Also called: Thoracic aortic aneurysms and dissections. Identifiers: Orphanet 91387, MedGen C4707243, MONDO:0019625.
Aortic aneurysm, familial thoracic 4 (AAT4). Also called: AORTIC ANEURYSM/AORTIC DISSECTION AND PATENT DUCTUS ARTERIOSUS. Identifiers: MedGen C1851504, MONDO:0007568, OMIM 132900.

Allele frequency attached by ClinVar (database versions not stated): gnomAD exomes below 0.00001.

Submissions (2):

Ambry Genetics
Classification: Uncertain significance for Familial thoracic aortic aneurysm and aortic dissection. Last evaluated: 2026-07-02. Review status: criteria provided, single submitter. Criteria: Ambry Variant Classification Scheme 2023. Collection method: clinical testing. Allele origin: germline.
Comment: The p.D1908N variant (also known as c.5722G>A), located in coding exon 39 of the MYH11 gene, results from a G to A substitution at nucleotide position 5722. The aspartic acid at codon 1908 is replaced by asparagine, an amino acid with highly similar properties. This amino acid position is conserved. In addition, this alteration is predicted to be tolerated by in silico analysis. Based on the available evidence, the clinical significance of this variant remains unclear.

Center for Human Genetics, Inc
Classification: Uncertain significance for Aortic aneurysm, familial thoracic 4. Last evaluated: 2016-11-01. Review status: criteria provided, single submitter. Criteria: ACMG Guidelines, 2015. Collection method: clinical testing. Allele origin: germline. Affected: yes.